The following is an entry in ClinVar:

NM_000289.6(PFKM):c.646dup (p.Ala216fs)

Gene: PFKM (phosphofructokinase, muscle; plus strand). Cytogenetic location: 12q13.11.
Variant type: Duplication.
Coding change: c.646dup on transcript NM_000289.6 (MANE Select); coding-DNA position 646, one base duplicated (G; older notation c.646dupG).
Protein change: p.Ala216fs; shifts the reading frame from alanine 216.
Molecular consequence: frameshift variant. On other transcripts: non-coding transcript variant (6).
Genome position (GRCh38, 1-based): chr12:48,134,728, G duplicated; the last of 2 consecutive G bases (chr12:48,134,727-48,134,728); duplicating either gives the same sequence. VCF-style (leftmost placement, unchanged base first): chr12-48134726-T-TG. GRCh37 (hg19) VCF-style: chr12-48528509-T-TG.
Other names: c.859dup, p.Ala287fs (NM_001166686.2, NM_001354737.1, NM_001354738.1 and 1 more transcripts); c.646dup, p.Ala216fs (NM_001166687.2, NM_001166688.2, NM_001354742.2 and 4 more transcripts); c.955dup, p.Ala319fs (NM_001354735.1, NM_001354736.1); c.790dup, p.Ala264fs (NM_001354740.1); c.670dup, p.Ala224fs (NM_001354741.2); c.559dup, p.Ala187fs (NM_001354745.2); c.496dup, p.Ala166fs (NM_001354747.2, NM_001354748.2); short protein forms A216fs, A287fs, A166fs, A224fs, A319fs, A187fs, A264fs.
Identifiers: ClinVar variation 1381155 (VCV001381155.6), dbSNP rs2135915377, ClinGen allele CA2573148752.

ClinVar aggregate classification (germline): Pathogenic (1 of 4 stars; one submission).

Conditions:
Glycogen storage disease, type VII (GSD7). Also called: MUSCLE PHOSPHOFRUCTOKINASE DEFICIENCY; PFKM DEFICIENCY; TARUI DISEASE; GSD VII. Identifiers: Orphanet 371, MedGen C0017926, MONDO:0009295, OMIM 232800.

Submission:

Labcorp Genetics (formerly Invitae), Labcorp
Classification: Pathogenic for Glycogen storage disease, type VII. Last evaluated: 2020-11-23. Review status: criteria provided, single submitter. Criteria: Invitae Variant Classification Sherloc (09022015). Collection method: clinical testing. Allele origin: germline.
Comment: For these reasons, this variant has been classified as Pathogenic. This variant has not been reported in the literature in individuals with PFKM-related conditions. This variant is not present in population databases (ExAC no frequency). This sequence change creates a premature translational stop signal (p.Ala216Glyfs*17) in the PFKM gene. It is expected to result in an absent or disrupted protein product. Loss-of-function variants in PFKM are known to be pathogenic (PMID: 7825568, 8037209).

Literature cited by the submitters: PubMed 7825568; PubMed 8037209.